The following is an entry in ClinVar:

ClinVar aggregate classification (germline): Pathogenic. Review status: reviewed by expert panel (3 of 4 stars). 2 submissions from 2 submitters: Pathogenic (1). 1 of the submissions does not count toward it. Last evaluated 2024-03-26.

Conditions:
Hereditary thrombocytopenia and hematologic cancer predisposition syndrome. Identifiers: Orphanet 71290, MedGen CN281654, MONDO:0011071.
Hereditary thrombocytopenia and hematological cancer predisposition syndrome associated with RUNX1. Also called: RUNX1 Familial Platelet Disorder with Associated Myeloid Malignancies; PLATELET DISORDER, ASPIRIN-LIKE; Familial Platelet Disorder with Propensity to Acute Myelogenous Leukemia; Familial thrombocytopenia with propensity to acute myelogenous leukemia. Identifiers: Orphanet 71290, MedGen C1832388, MeSH C563324, MONDO:0100083, OMIM 601399.

Submissions (2):

ClinGen Myeloid Malignancy Variant Curation Expert Panel
Classification: Pathogenic for Hereditary thrombocytopenia and hematologic cancer predisposition syndrome. Last evaluated: 2024-03-26. Review status: reviewed by expert panel. Criteria: ClinGen MyeloMalig ACMG Specifications v2. Collection method: curation. Allele origin: germline. Inheritance: Autosomal dominant inheritance.
Comment: The NM_001754.4:c.334del (p.Leu112CysfsTer10) variant is a frameshift variant that is predicted to introduce a premature stop codon and expected to result in nonsense-mediated mRNA decay (PVS1). This variant is completely absent from all population databases with at least 20x coverage for RUNX1 (PM2_supporting). This variant is a nonsense/frameshift variants that is downstream of c.98 (PM5_Supporting). In summary, this variant meets criteria to be classified as pathogenic. ACMG/AMP criteria applied, as specified by the Myeloid Malignancy Variant Curation Expert Panel for RUNX1: PVS1, PM2_supporting, PS4_Supporting, PM5_supporting.

Labcorp Genetics (formerly Invitae), Labcorp
Classification: Pathogenic for Hereditary thrombocytopenia and hematological cancer predisposition syndrome associated with RUNX1. Last evaluated: 2021-09-25. Review status: criteria provided, single submitter. Criteria: Invitae Variant Classification Sherloc (09022015). Collection method: clinical testing. Allele origin: germline. Not counted in ClinVar's aggregate classification.
Comment: For these reasons, this variant has been classified as Pathogenic. ClinVar contains an entry for this variant (Variation ID: 869209). This variant has not been reported in the literature in individuals affected with RUNX1-related conditions. This variant is not present in population databases (ExAC no frequency). This sequence change creates a premature translational stop signal (p.Leu112Cysfs*10) in the RUNX1 gene. It is expected to result in an absent or disrupted protein product. Loss-of-function variants in RUNX1 are known to be pathogenic (PMID: 18723428, 24100448).

Literature cited by the submitters: PubMed 18723428 (cited by Labcorp Genetics (formerly Invitae), Labcorp); PubMed 24100448 (cited by Labcorp Genetics (formerly Invitae), Labcorp).

NM_001754.5(RUNX1):c.334del (p.Leu112fs)

Gene: RUNX1 (RUNX family transcription factor 1; minus strand). Cytogenetic location: 21q22.12.
Variant type: Deletion.
Coding change: c.334del on transcript NM_001754.5 (MANE Select); coding-DNA position 334, one base deleted (C; older notation c.334delC).
Protein change: p.Leu112fs; shifts the reading frame from leucine 112.
Molecular consequence: frameshift variant.
Genome position (GRCh38, 1-based): chr21:34,886,860, G deleted on the plus strand (C on the coding strand, the reverse complement: RUNX1 is on the minus strand); the first of 3 consecutive G bases (chr21:34,886,860-34,886,862); deleting any one gives the same sequence. VCF-style (leftmost placement, unchanged base first): chr21-34886859-AG-A. GRCh37 (hg19) VCF-style: chr21-36259156-AG-A.
Other names: NM_001754.5(RUNX1):c.334del; p.Leu112fs; c.253del, p.Leu85fs (NM_001001890.3, NM_001122607.2); short protein forms L112fs, L85fs.
Identifiers: ClinVar variation 869209 (VCV000869209.7), dbSNP rs2057997486, ClinGen allele CA512318822.
Genomic context (GRCh38, chr21:34,886,859, plus strand): 5'-GCCGGCCTCCGCCTGTCCTCCCACCACCCTCTCCGGGCCAGTACCTTGAAAGCGATGGGC[AG>A]GGTCTTGTTGCAGCGCCAGTGCGTAGGCAGCACGGAGCAGAGGAAGTTGGGGCTGTCGGT-3'